The following is an entry in ClinVar:

ClinVar aggregate classification (germline): Uncertain significance. Review status: criteria provided, multiple submitters, no conflicts (2 of 4 stars). 2 submissions from 2 submitters: Uncertain significance (2). Last evaluated 2025-06-16.

Conditions:
Multiple endocrine neoplasia, type 1 (MEN1). Also called: MEN I; WERMER SYNDROME; Endocrine adenomatosis multiple; MEN 1; MEA I. Identifiers: Orphanet 652, MedGen C0025267, MeSH D018761, MONDO:0007540, OMIM 131100.
Hereditary cancer-predisposing syndrome. Also called: Hereditary neoplastic syndrome; Tumor predisposition; Hereditary Cancer Syndrome; Neoplastic Syndromes, Hereditary. Identifiers: Orphanet 140162, MedGen C0027672, MeSH D009386, MONDO:0015356.

Submissions (2):

Ambry Genetics
Classification: Uncertain significance for Hereditary cancer-predisposing syndrome. Last evaluated: 2025-06-16. Review status: criteria provided, single submitter. Criteria: Ambry Variant Classification Scheme 2023. Collection method: clinical testing. Allele origin: germline.
Comment: The p.A68T variant (also known as c.202G>A), located in coding exon 1 of the MEN1 gene, results from a G to A substitution at nucleotide position 202. The alanine at codon 68 is replaced by threonine, an amino acid with similar properties. This amino acid position is highly conserved in available vertebrate species. In addition, the in silico prediction for this alteration is inconclusive. Since supporting evidence is limited at this time, the clinical significance of this alteration remains unclear.

Labcorp Genetics (formerly Invitae), Labcorp
Classification: Uncertain significance for Multiple endocrine neoplasia, type 1. Last evaluated: 2025-01-11. Review status: criteria provided, single submitter. Criteria: Invitae Variant Classification Sherloc (09022015). Collection method: clinical testing. Allele origin: germline.
Comment: This sequence change replaces alanine, which is neutral and non-polar, with threonine, which is neutral and polar, at codon 68 of the MEN1 protein (p.Ala68Thr). This variant is not present in population databases (gnomAD no frequency). This variant has not been reported in the literature in individuals affected with MEN1-related conditions. ClinVar contains an entry for this variant (Variation ID: 577184). Invitae Evidence Modeling of protein sequence and biophysical properties (such as structural, functional, and spatial information, amino acid conservation, physicochemical variation, residue mobility, and thermodynamic stability) indicates that this missense variant is expected to disrupt MEN1 protein function with a positive predictive value of 80%. In summary, the available evidence is currently insufficient to determine the role of this variant in disease. Therefore, it has been classified as a Variant of Uncertain Significance.

NM_001370259.2(MEN1):c.202G>A (p.Ala68Thr)

Gene: MEN1 (menin 1; minus strand). Cytogenetic location: 11q13.1.
Variant type: single nucleotide variant.
Coding change: c.202G>A on transcript NM_001370259.2 (MANE Select); coding-DNA position 202, G replaced by A.
Protein change: p.Ala68Thr; replaces alanine 68 with threonine.
Molecular consequence: missense variant.
Genome position (GRCh38, 1-based): chr11:64,809,908, C>T on the plus strand (G>A on the coding strand, the complement: MEN1 is on the minus strand). VCF-style: chr11-64809908-C-T. GRCh37 (hg19) VCF-style: chr11-64577380-C-T.
Other names: c.202G>A, p.Ala68Thr (NM_000244.4, NM_001370251.2, NM_001370260.2 and 9 more transcripts); short protein forms A68T.
Identifiers: ClinVar variation 577184 (VCV000577184.12), dbSNP rs1343345477, ClinGen allele CA381187657.
Genomic context (GRCh38, chr11:64,809,908, plus strand): 5'-CGGCGATGATAGACAGGTCGGCCACGGGAAAGTAGGTGAGGCCGCCAGGCGGGTCGGGGG[C>T]GGGGCTGGGCTGGAAGGTGAGCTCGGGAACGTTGGTAGGGATGACGCGGTTGACAGCCAG-3'
Protein context (NP_001357188.2, residues 58-78): VPELTFQPSP[Ala68Thr]PDPPGGLTYF